The following is an entry in ClinVar:

ClinVar aggregate classification (germline): Likely benign (1 of 4 stars; one submission).

Allele frequency attached by ClinVar (database versions not stated): TOPMed 0.00049; ESP Exome Variant Server 0.00062; gnomAD 0.00063; ExAC 0.00086.
gnomAD v4.1: 939 of 1,613,594 alleles (0.058%); highest among the groups gnomAD compares: Middle Eastern, 0.13%; 3 homozygotes.

Submission:

CeGaT Center for Human Genetics Tuebingen
Classification: Likely benign. Last evaluated: 2023-02-01. Review status: criteria provided, single submitter. Criteria: CeGaT Center For Human Genetics Tuebingen Variant Classification Criteria Version 2. Collection method: clinical testing. Allele origin: germline. Affected: yes. Observed: 1 variant allele.
Comment: VAV2: BP4, BP7

NM_001134398.2(VAV2):c.450C>T (p.Asp150=)

Gene: VAV2 (vav guanine nucleotide exchange factor 2; minus strand). Cytogenetic location: 9q34.2.
Variant type: single nucleotide variant.
Coding change: c.450C>T on transcript NM_001134398.2 (MANE Select); coding-DNA position 450, C replaced by T.
Protein change: p.Asp150=; no amino-acid change (aspartic acid 150 retained).
Molecular consequence: synonymous variant.
Genome position (GRCh38, 1-based): chr9:133,812,216, G>A on the plus strand (C>T on the coding strand, the complement: VAV2 is on the minus strand). VCF-style: chr9-133812216-G-A. GRCh37 (hg19) VCF-style: chr9-136677338-G-A.
Other names: c.450C>T, p.Asp150= (NM_001411028.1, NM_003371.4).
Identifiers: ClinVar variation 2659701 (VCV002659701.24), dbSNP rs148600123, ClinGen allele CA5316174.
Genomic context (GRCh38, chr9:133,812,216, plus strand): 5'-GTCGTCCCCTCCATCCTCACACGGGACGCAGTCGTAGATGTCCTCCCCCAGGTCATGCTC[G>A]CTGCACAGGAGGAGGCGGGTTAGAGGGGAGGGGAGGCTCCCGCCACCCTGACCGGGGAGC-3'
Protein context (NP_001127870.1, residues 140-160): DVYRSLEELA[Asp150=]EHDLGEDIYD